The following is an entry in ClinVar:

NM_015512.5(DNAH1):c.46C>T (p.Gln16Ter)

Gene: DNAH1 (dynein axonemal heavy chain 1; plus strand). Cytogenetic location: 3p21.1.
Variant type: single nucleotide variant.
Coding change: c.46C>T on transcript NM_015512.5 (MANE Select); coding-DNA position 46, C replaced by T.
Protein change: p.Gln16Ter; replaces glutamine 16 with a stop codon.
Molecular consequence: nonsense.
Genome position (GRCh38, 1-based): chr3:52,322,488, C>T. VCF-style: chr3-52322488-C-T. GRCh37 (hg19) VCF-style: chr3-52356504-C-T.
Other names: c.46C>T (NM_015512.4); short protein forms Q16*.
Identifiers: ClinVar variation 1453969 (VCV001453969.9), dbSNP rs199910432, ClinGen allele CA2432552.

ClinVar aggregate classification (germline): Conflicting classifications of pathogenicity. Review status: criteria provided, conflicting classifications (1 of 4 stars). 4 submissions from 4 submitters: Pathogenic (2); Uncertain significance (1). 1 of the submissions does not count toward it. Last evaluated 2024-04-04.

Conditions:
Spermatogenic failure 18. Identifiers: MedGen C4539783, MONDO:0054615, OMIM 617576.
DNAH1-related disorder. Also called: DNAH1-related condition.
Ciliary dyskinesia, primary, 37 (CILD37). Also called: CILIARY DYSKINESIA, PRIMARY, 37, WITH OR WITHOUT SITUS INVERSUS. Identifiers: MedGen C4539798, MONDO:0033204, OMIM 617577.

Allele frequency attached by ClinVar (database versions not stated): gnomAD exomes 0.00001 and 0.00004; ExAC 0.00006; 1000 Genomes Project 30x 0.00016; gnomAD 0.00019; 1000 Genomes Project 0.00020; TOPMed 0.00020; ESP Exome Variant Server 0.00025.
gnomAD v4.1: 47 of 1,613,430 alleles (0.0029%); highest among the groups gnomAD compares: African/African-American, 0.061%; no homozygotes.

Submissions (4):

Genomic Medicine Center of Excellence, King Faisal Specialist Hospital and Research Centre
Classification: Pathogenic for Spermatogenic failure 18. Last evaluated: 2024-04-04. Review status: criteria provided, single submitter. Criteria: ACMG Guidelines, 2015. Collection method: clinical testing. Allele origin: germline.

GeneDx
Classification: Uncertain significance. Last evaluated: 2024-02-14. Review status: criteria provided, single submitter. Criteria: GeneDx Variant Classification Process June 2021. Collection method: clinical testing. Allele origin: germline. Affected: yes.
Comment: Nonsense variant predicted to result in protein truncation or nonsense mediated decay in a gene for which loss of function is a known mechanism of disease; Reported among a cohort of individuals with cardiovascular disease traits; however, no detailed clinical information was provided (PMID: 31345219); This variant is associated with the following publications: (PMID: 31345219)

Labcorp Genetics (formerly Invitae), Labcorp
Classification: Pathogenic for Ciliary dyskinesia, primary, 37; Spermatogenic failure 18. Last evaluated: 2020-11-13. Review status: criteria provided, single submitter. Criteria: Invitae Variant Classification Sherloc (09022015). Collection method: clinical testing. Allele origin: germline.
Comment: For these reasons, this variant has been classified as Pathogenic. This variant has not been reported in the literature in individuals with DNAH1-related conditions. This variant is present in population databases (rs199910432, ExAC 0.07%). This sequence change creates a premature translational stop signal (p.Gln16*) in the DNAH1 gene. It is expected to result in an absent or disrupted protein product. Loss-of-function variants in DNAH1 are known to be pathogenic (PMID: 27573432, 27798045).

PreventionGenetics, part of Exact Sciences
Classification: Uncertain significance for DNAH1-related condition. Last evaluated: 2024-01-18. Review status: no assertion criteria provided. Collection method: clinical testing. Allele origin: germline. Not counted in ClinVar's aggregate classification.
Comment: The DNAH1 c.46C>T variant is predicted to result in premature protein termination (p.Gln16*). This variant was reported in an individual with cardiovascular disease (Table S1, Glicksberg et al 2019. PubMed ID: 31345219). This variant is reported in 0.075% of alleles in individuals of African descent in gnomAD. At this time, the clinical significance of this variant is uncertain due to the absence of conclusive functional and genetic evidence.

Literature cited by the submitters: PubMed 27573432 (cited by Labcorp Genetics (formerly Invitae), Labcorp); PubMed 27798045 (cited by Labcorp Genetics (formerly Invitae), Labcorp).